The following is an entry in ClinVar:

NM_001113378.2(FANCI):c.2515A>T (p.Met839Leu)

Gene: FANCI (FA complementation group I; plus strand). Cytogenetic location: 15q26.1.
Variant type: single nucleotide variant.
Coding change: c.2515A>T on transcript NM_001113378.2 (MANE Select); coding-DNA position 2515, A replaced by T.
Protein change: p.Met839Leu; replaces methionine 839 with leucine.
Molecular consequence: missense variant. On other transcripts: intron variant (1).
Genome position (GRCh38, 1-based): chr15:89,294,973, A>T. VCF-style: chr15-89294973-A-T. GRCh37 (hg19) VCF-style: chr15-89838204-A-T.
Other names: c.2515A>T, p.Met839Leu (NM_001376911.1); c.2456+976A>T (NM_018193.3); c.2236A>T, p.Met746Leu (NM_001376910.1); short protein forms M839L, M746L.
Identifiers: ClinVar variation 3666517 (VCV003666517.2).

ClinVar aggregate classification (germline): Uncertain significance (1 of 4 stars; one submission).

Conditions:
Fanconi anemia (FA). Also called: Fanconi's anemia. Identifiers: Orphanet 84, MedGen C0015625, MeSH D005199, MONDO:0019391.

Submission:

Labcorp Genetics (formerly Invitae), Labcorp
Classification: Uncertain significance for Fanconi anemia. Last evaluated: 2024-03-01. Review status: criteria provided, single submitter. Criteria: Invitae Variant Classification Sherloc (09022015). Collection method: clinical testing. Allele origin: germline.
Comment: This sequence change replaces methionine, which is neutral and non-polar, with leucine, which is neutral and non-polar, at codon 839 of the FANCI protein (p.Met839Leu). This variant is not present in population databases (gnomAD no frequency). This variant has not been reported in the literature in individuals affected with FANCI-related conditions. Algorithms developed to predict the effect of missense changes on protein structure and function output the following: SIFT: "Not Available"; PolyPhen-2: "Benign"; Align-GVGD: "Not Available". The leucine amino acid residue is found in multiple mammalian species, which suggests that this missense change does not adversely affect protein function. In summary, the available evidence is currently insufficient to determine the role of this variant in disease. Therefore, it has been classified as a Variant of Uncertain Significance.